The following is an entry in ClinVar:

ClinVar aggregate classification (germline): Uncertain significance (1 of 4 stars; one submission).

Allele frequency attached by ClinVar (database versions not stated): TOPMed 0.00004; ExAC 0.00005; gnomAD 0.00007; 1000 Genomes Project 30x 0.00016; 1000 Genomes Project 0.00020.
gnomAD v4.1: 77 of 1,613,768 alleles (0.0048%); highest among the groups gnomAD compares: Non-Finnish European, 0.0056%; no homozygotes.

Submission:

Labcorp Genetics (formerly Invitae), Labcorp
Classification: Uncertain significance. Last evaluated: 2022-04-21. Review status: criteria provided, single submitter. Criteria: Invitae Variant Classification Sherloc (09022015). Collection method: clinical testing. Allele origin: germline.
Comment: This sequence change replaces threonine, which is neutral and polar, with methionine, which is neutral and non-polar, at codon 66 of the CARMIL2 protein (p.Thr66Met). This variant is present in population databases (rs548311381, gnomAD 0.01%). This variant has not been reported in the literature in individuals affected with CARMIL2-related conditions. Algorithms developed to predict the effect of missense changes on protein structure and function are either unavailable or do not agree on the potential impact of this missense change (SIFT: "Tolerated"; PolyPhen-2: "Probably Damaging"; Align-GVGD: "Class C0"). In summary, the available evidence is currently insufficient to determine the role of this variant in disease. Therefore, it has been classified as a Variant of Uncertain Significance.

NM_001013838.3(CARMIL2):c.197C>T (p.Thr66Met)

Gene: CARMIL2 (capping protein regulator and myosin 1 linker 2; plus strand). Cytogenetic location: 16q22.1.
Variant type: single nucleotide variant.
Coding change: c.197C>T on transcript NM_001013838.3 (MANE Select); coding-DNA position 197, C replaced by T.
Protein change: p.Thr66Met; replaces threonine 66 with methionine.
Molecular consequence: missense variant.
Genome position (GRCh38, 1-based): chr16:67,646,028, C>T. VCF-style: chr16-67646028-C-T. GRCh37 (hg19) VCF-style: chr16-67679931-C-T.
Other names: c.197C>T, p.Thr66Met (NM_001317026.3); short protein forms T66M.
Identifiers: ClinVar variation 1905830 (VCV001905830.2), dbSNP rs548311381, ClinGen allele CA8112978.
Genomic context (GRCh38, chr16:67,646,028, plus strand): 5'-ATGAGGGCGGGGCTGGGGGCTTGGTCCCAGCTGATCTAGGCCCTTTCTAGGTGGACTGCA[C>T]GTTCAGCTACCTGGAGGTCCAGGCCATGGCGCTGCAGGAGACACCCCCTCAGGTGAGACA-3'
Protein context (NP_001013860.1, residues 56-76): TTCLPLRVDC[Thr66Met]FSYLEVQAMA